The following is an entry in ClinVar:

ClinVar aggregate classification (germline): Uncertain significance (1 of 4 stars; one submission).

Conditions:
Infantile neuroaxonal dystrophy (NBIA2A). Also called: NEURODEGENERATION WITH BRAIN IRON ACCUMULATION 2A; SEITELBERGER DISEASE; Infantile neuroaxonal dystrophy 1. Identifiers: Orphanet 35069, MedGen C0270724, MONDO:0024457, OMIM 256600.

Allele frequency attached by ClinVar (database versions not stated): TOPMed 0.00002; ExAC 0.00003.
gnomAD v4.1: 15 of 1,614,100 alleles (0.00093%); highest among the groups gnomAD compares: East Asian, 0.02%; no homozygotes.

Submission:

Labcorp Genetics (formerly Invitae), Labcorp
Classification: Uncertain significance for Infantile neuroaxonal dystrophy. Last evaluated: 2022-10-07. Review status: criteria provided, single submitter. Criteria: Invitae Variant Classification Sherloc (09022015). Collection method: clinical testing. Allele origin: germline.
Comment: This sequence change replaces valine, which is neutral and non-polar, with isoleucine, which is neutral and non-polar, at codon 189 of the PLA2G6 protein (p.Val189Ile). This variant is present in population databases (rs755993359, gnomAD 0.02%). This variant has not been reported in the literature in individuals affected with PLA2G6-related conditions. Advanced modeling of protein sequence and biophysical properties (such as structural, functional, and spatial information, amino acid conservation, physicochemical variation, residue mobility, and thermodynamic stability) performed at Invitae indicates that this missense variant is not expected to disrupt PLA2G6 protein function. In summary, the available evidence is currently insufficient to determine the role of this variant in disease. Therefore, it has been classified as a Variant of Uncertain Significance.

NM_003560.4(PLA2G6):c.565G>A (p.Val189Ile)

Gene: PLA2G6 (phospholipase A2 group VI; minus strand). Cytogenetic location: 22q13.1.
Variant type: single nucleotide variant.
Coding change: c.565G>A on transcript NM_003560.4 (MANE Select); coding-DNA position 565, G replaced by A.
Protein change: p.Val189Ile; replaces valine 189 with isoleucine.
Molecular consequence: missense variant. On other transcripts: synonymous variant (1).
Genome position (GRCh38, 1-based): chr22:38,143,149, C>T on the plus strand (G>A on the coding strand, the complement: PLA2G6 is on the minus strand). VCF-style: chr22-38143149-C-T. GRCh37 (hg19) VCF-style: chr22-38539156-C-T.
Other names: c.565G>A, p.Val189Ile (NM_001004426.3, NM_001199562.3, NM_001349864.2 and 2 more transcripts); c.31G>A, p.Val11Ile (NM_001349867.2, NM_001349869.2); c.75G>A, p.Pro25= (NM_001349868.2); short protein forms V11I, V189I.
Identifiers: ClinVar variation 2076416 (VCV002076416.1), dbSNP rs755993359, ClinGen allele CA10231230.
Genomic context (GRCh38, chr22:38,143,149, plus strand): 5'-CCCTCCCCCTGCTCACCTGCAGCACCTGAGAATTGTCACCCTGGACAGCATAATGGAAGA[C>T]GGTCTCTCCCTTGTAGTCGGTGACATCCATCTGAGTGTGGCAGTACTGCACCAGCTCCAC-3'
Protein context (NP_003551.2, residues 179-199): MDVTDYKGET[Val189Ile]FHYAVQGDNS